The following is an entry in ClinVar:

ClinVar aggregate classification (germline): Benign/Likely benign. Review status: criteria provided, multiple submitters, no conflicts (2 of 4 stars). 2 submissions from 2 submitters: Benign (1); Likely benign (1). Last evaluated 2025-08-01.

gnomAD v4.1: 117 of 1,614,096 alleles (0.0072%); highest among the groups gnomAD compares: Middle Eastern, 0.016%; 1 homozygote.

Submissions (2):

CeGaT Center for Human Genetics Tuebingen
Classification: Likely benign. Last evaluated: 2025-08-01. Review status: criteria provided, single submitter. Criteria: CeGaT Center For Human Genetics Tuebingen Variant Classification Criteria Version 2. Collection method: clinical testing. Allele origin: germline. Affected: yes. Observed: 1 variant allele.
Comment: TCF20: BP4, BP7

Labcorp Genetics (formerly Invitae), Labcorp
Classification: Benign. Last evaluated: 2025-01-13. Review status: criteria provided, single submitter. Criteria: Invitae Variant Classification Sherloc (09022015). Collection method: clinical testing. Allele origin: germline.

NM_001378418.1(TCF20):c.219C>T (p.Thr73=)

Gene: TCF20 (transcription factor 20; minus strand). Cytogenetic location: 22q13.2.
Variant type: single nucleotide variant.
Coding change: c.219C>T on transcript NM_001378418.1 (MANE Select); coding-DNA position 219, C replaced by T.
Protein change: p.Thr73=; no amino-acid change (threonine 73 retained).
Molecular consequence: synonymous variant.
Genome position (GRCh38, 1-based): chr22:42,215,087, G>A on the plus strand (C>T on the coding strand, the complement: TCF20 is on the minus strand). VCF-style: chr22-42215087-G-A. GRCh37 (hg19) VCF-style: chr22-42611093-G-A.
Other names: c.219C>T, p.Thr73= (NM_005650.4, NM_181492.3).
Identifiers: ClinVar variation 3606140 (VCV003606140.10).
Genomic context (GRCh38, chr22:42,215,087, plus strand): 5'-TGCCATGTAGTAAAAATCTCCAGCCTCTTTCCTGAAACCCTGGTAACCTTGATGGCCAGA[G>A]GTCTCGCTAGCCATCGCTGCCGCAGCAGCTGCTGCTCCTCGTCGTCCACCACCACTGCCA-3'
Protein context (NP_001365347.1, residues 63-83): AAAAAAMASE[Thr73=]SGHQGYQGFR